The following is an entry in ClinVar:

NM_014252.4(SLC25A15):c.181C>T (p.Arg61Cys)

Gene: SLC25A15 (solute carrier family 25 member 15; plus strand). Cytogenetic location: 13q14.11.
Variant type: single nucleotide variant.
Coding change: c.181C>T on transcript NM_014252.4 (MANE Select); coding-DNA position 181, C replaced by T.
Protein change: p.Arg61Cys; replaces arginine 61 with cysteine.
Molecular consequence: missense variant. On other transcripts: non-coding transcript variant (2).
Genome position (GRCh38, 1-based): chr13:40,799,182, C>T. VCF-style: chr13-40799182-C-T. GRCh37 (hg19) VCF-style: chr13-41373318-C-T.
Other names: c.181C>T (NM_014252.3); short protein forms R61C.
Identifiers: ClinVar variation 807007 (VCV000807007.43), dbSNP rs552342390, ClinGen allele CA6959639.

ClinVar aggregate classification (germline): Uncertain significance. Review status: criteria provided, multiple submitters, no conflicts (2 of 4 stars). 3 submissions from 3 submitters: Uncertain significance (3). Last evaluated 2025-06-03.

Conditions:
Hyperornithinemia-hyperammonemia-homocitrullinuria syndrome (HHHS). Also called: HHH SYNDROME; Ornithine translocase deficiency. Identifiers: Orphanet 415, MedGen C0268540, MONDO:0009393, OMIM 238970.
Inborn genetic diseases. Identifiers: MedGen C0950123, MeSH D030342.

Allele frequency attached by ClinVar (database versions not stated): gnomAD exomes 0.00001 and 0.00003; gnomAD 0.00002 and 0.00003; TOPMed 0.00003; 1000 Genomes Project 30x 0.00016; 1000 Genomes Project 0.00020.
gnomAD v4.1: 20 of 1,614,158 alleles (0.0012%); highest among the groups gnomAD compares: Middle Eastern, 0.016%; no homozygotes.

Submissions (3):

Ambry Genetics
Classification: Uncertain significance for Inborn genetic diseases. Last evaluated: 2025-06-03. Review status: criteria provided, single submitter. Criteria: Ambry Variant Classification Scheme 2023. Collection method: clinical testing. Allele origin: germline.

Labcorp Genetics (formerly Invitae), Labcorp
Classification: Uncertain significance for Hyperornithinemia-hyperammonemia-homocitrullinuria syndrome. Last evaluated: 2022-07-22. Review status: criteria provided, single submitter. Criteria: Invitae Variant Classification Sherloc (09022015). Collection method: clinical testing. Allele origin: germline.
Comment: This sequence change replaces arginine, which is basic and polar, with cysteine, which is neutral and slightly polar, at codon 61 of the SLC25A15 protein (p.Arg61Cys). This variant is present in population databases (rs552342390, gnomAD 0.02%). This variant has not been reported in the literature in individuals affected with SLC25A15-related conditions. ClinVar contains an entry for this variant (Variation ID: 807007). Algorithms developed to predict the effect of missense changes on protein structure and function are either unavailable or do not agree on the potential impact of this missense change (SIFT: "Deleterious"; PolyPhen-2: "Benign"; Align-GVGD: "Class C0"). In summary, the available evidence is currently insufficient to determine the role of this variant in disease. Therefore, it has been classified as a Variant of Uncertain Significance.

CeGaT Center for Human Genetics Tuebingen
Classification: Uncertain significance. Last evaluated: 2018-02-01. Review status: criteria provided, single submitter. Criteria: CeGaT Center For Human Genetics Tuebingen Variant Classification Criteria Version 2. Collection method: clinical testing. Allele origin: germline. Affected: yes. Observed: 1 variant allele.